The following is an entry in ClinVar:

NM_024301.5(FKRP):c.919del (p.Tyr307fs)

Gene: FKRP (fukutin related protein; plus strand). Cytogenetic location: 19q13.32.
Variant type: Deletion.
Coding change: c.919del on transcript NM_024301.5 (MANE Select); coding-DNA position 919, one base deleted (T; older notation c.919delT).
Protein change: p.Tyr307fs; shifts the reading frame from tyrosine 307.
Molecular consequence: frameshift variant.
Genome position (GRCh38, 1-based): chr19:46,756,369, T deleted. VCF-style (leftmost placement, unchanged base first): chr19-46756368-CT-C. GRCh37 (hg19) VCF-style: chr19-47259625-CT-C.
Other names: c.919del, p.Tyr307fs (NM_001039885.3); short protein forms Y307fs.
Identifiers: ClinVar variation 1072037 (VCV001072037.9), dbSNP rs2122626858, ClinGen allele CA2499225524.

ClinVar aggregate classification (germline): Pathogenic (1 of 4 stars; one submission).

Conditions:
Walker-Warburg congenital muscular dystrophy. Also called: Muscular dystrophy-dystroglycanopathy, type A; Walker-Warburg syndrome. Identifiers: Orphanet 899, MedGen C0265221, MONDO:0000171.

Submission:

Labcorp Genetics (formerly Invitae), Labcorp
Classification: Pathogenic for Walker-Warburg congenital muscular dystrophy. Last evaluated: 2020-02-05. Review status: criteria provided, single submitter. Criteria: Invitae Variant Classification Sherloc (09022015). Collection method: clinical testing. Allele origin: germline.
Comment: For these reasons, this variant has been classified as Pathogenic. This variant disrupts the C-terminus of the FKRP protein. Other variant(s) that disrupt this region (p.Ser385*) have been determined to be pathogenic (PMID: 11592034, 14742276, 12707425, 12666124). This suggests that variants that disrupt this region of the protein are likely to be causative of disease. This variant has not been reported in the literature in individuals with FKRP-related conditions. The frequency data for this variant in the population databases is considered unreliable, as metrics indicate insufficient coverage at this position in the ExAC database. This sequence change results in a premature translational stop signal in the FKRP gene (p.Tyr307Thrfs*121). While this is not anticipated to result in nonsense mediated decay, it is expected to disrupt the last 189 amino acids of the FKRP protein.

Literature cited by the submitters: PubMed 11592034; PubMed 14742276; PubMed 12707425; PubMed 12666124.